The following is an entry in ClinVar:

ClinVar aggregate classification (germline): Uncertain significance (1 of 4 stars; one submission).

Conditions:
Inborn genetic diseases. Identifiers: MedGen C0950123, MeSH D030342.

gnomAD v4.1: 1 of 1,614,044 alleles (0.000062%); highest among the groups gnomAD compares: Non-Finnish European, 0.000085%; no homozygotes.

Submission:

Ambry Genetics
Classification: Uncertain significance for Inborn genetic diseases. Last evaluated: 2025-06-16. Review status: criteria provided, single submitter. Criteria: Ambry Variant Classification Scheme 2023. Collection method: clinical testing. Allele origin: germline.
Comment: The p.P670L variant (also known as c.2009C>T), located in coding exon 12 of the BMPR2 gene, results from a C to T substitution at nucleotide position 2009. The proline at codon 670 is replaced by leucine, an amino acid with similar properties. This amino acid position is conserved. In addition, this alteration is predicted to be deleterious by in silico analysis. Based on the available evidence, the clinical significance of this variant remains unclear.

NM_001204.7(BMPR2):c.2009C>T (p.Pro670Leu)

Gene: BMPR2 (bone morphogenetic protein receptor type 2; plus strand). Cytogenetic location: 2q33.2.
Variant type: single nucleotide variant.
Coding change: c.2009C>T on transcript NM_001204.7 (MANE Select); coding-DNA position 2009, C replaced by T.
Protein change: p.Pro670Leu; replaces proline 670 with leucine.
Molecular consequence: missense variant.
Genome position (GRCh38, 1-based): chr2:202,555,674, C>T. VCF-style: chr2-202555674-C-T. GRCh37 (hg19) VCF-style: chr2-203420397-C-T.
Other names: short protein forms P670L.
Identifiers: ClinVar variation 4214397 (VCV004214397.1).